The following is an entry in ClinVar:

NM_002691.4(POLD1):c.1024C>T (p.Leu342=)

Gene: POLD1 (DNA polymerase delta 1, catalytic subunit; plus strand). Cytogenetic location: 19q13.33.
Variant type: single nucleotide variant.
Coding change: c.1024C>T on transcript NM_002691.4 (MANE Select); coding-DNA position 1024, C replaced by T.
Protein change: p.Leu342=; no amino-acid change (leucine 342 retained).
Molecular consequence: synonymous variant. On other transcripts: non-coding transcript variant (1).
Genome position (GRCh38, 1-based): chr19:50,403,106, C>T. VCF-style: chr19-50403106-C-T. GRCh37 (hg19) VCF-style: chr19-50906363-C-T.
Other names: c.1024C>T, p.Leu342= (NM_001256849.1, NM_001308632.1).
Identifiers: ClinVar variation 3421949 (VCV003421949.2).
Genomic context (GRCh38, chr19:50,403,106, plus strand): 5'-CTCGCAGGCATCTTCCCTGAGCCTGAGCGGGACCCTGTCATCCAGATCTGCTCGCTGGGC[C>T]TGCGCTGGGGGGAGCCGGAGCCCTTCCTACGCCTGGCGCTCACCCTGCGGCCCTGTGCCC-3'
Protein context (NP_002682.2, residues 332-352): DPVIQICSLG[Leu342=]RWGEPEPFLR

ClinVar aggregate classification (germline): Benign/Likely benign. Review status: criteria provided, multiple submitters, no conflicts (2 of 4 stars). 2 submissions from 2 submitters: Benign (1); Likely benign (1). Last evaluated 2025-02-05.

Conditions:
Hereditary cancer-predisposing syndrome. Also called: Neoplastic Syndromes, Hereditary; Tumor predisposition; Hereditary Cancer Syndrome; Hereditary neoplastic syndrome. Identifiers: Orphanet 140162, MedGen C0027672, MeSH D009386, MONDO:0015356.
POLD1-related polyposis and colorectal cancer syndrome (CRCS10). Also called: Colorectal cancer 10; COLORECTAL CANCER, SUSCEPTIBILITY TO, ON CHROMOSOME 19q; Colorectal cancer, susceptibility to, 10. Identifiers: Orphanet 220460, MedGen C2675481, MONDO:0012953, OMIM 612591.

gnomAD v4.1: 2 of 1,565,268 alleles (0.00013%); highest among the groups gnomAD compares: Admixed American, 0.0038%; no homozygotes.

Submissions (2):

Myriad Genetics, Inc.
Classification: Benign for POLD1-related polyposis and colorectal cancer syndrome. Last evaluated: 2025-02-05. Review status: criteria provided, single submitter. Criteria: Myriad Autosomal Dominant, Autosomal Recessive and X-Linked Classification Criteria (2023). Collection method: clinical testing. Allele origin: unknown.
Comment: This variant is considered benign. This variant is a silent/synonymous amino acid change and it is not expected to impact splicing.

Ambry Genetics
Classification: Likely benign for Hereditary cancer-predisposing syndrome. Last evaluated: 2024-08-07. Review status: criteria provided, single submitter. Criteria: Ambry Variant Classification Scheme 2023. Collection method: clinical testing. Allele origin: germline.